The following is an entry in ClinVar:

ClinVar aggregate classification (germline): Uncertain significance. Review status: criteria provided, multiple submitters, no conflicts (2 of 4 stars). 2 submissions from 2 submitters: Uncertain significance (2). Last evaluated 2025-04-01.

Conditions:
Inborn genetic diseases. Identifiers: MedGen C0950123, MeSH D030342.

Allele frequency attached by ClinVar (database versions not stated): ExAC 0.00001; gnomAD 0.00001; TOPMed 0.00002; gnomAD exomes 0.00003.
gnomAD v4.1: 49 of 1,613,354 alleles (0.003%); highest among the groups gnomAD compares: Non-Finnish European, 0.0038%; no homozygotes.

Submissions (2):

Ambry Genetics
Classification: Uncertain significance for Inborn genetic diseases. Last evaluated: 2025-04-01. Review status: criteria provided, single submitter. Criteria: Ambry Variant Classification Scheme 2023. Collection method: clinical testing. Allele origin: germline.

Labcorp Genetics (formerly Invitae), Labcorp
Classification: Uncertain significance. Last evaluated: 2021-12-11. Review status: criteria provided, single submitter. Criteria: Invitae Variant Classification Sherloc (09022015). Collection method: clinical testing. Allele origin: germline.
Comment: In summary, the available evidence is currently insufficient to determine the role of this variant in disease. Therefore, it has been classified as a Variant of Uncertain Significance. Algorithms developed to predict the effect of missense changes on protein structure and function output the following: SIFT: "Tolerated"; PolyPhen-2: "Possibly Damaging"; Align-GVGD: "Class C0". The arginine amino acid residue is found in multiple mammalian species, which suggests that this missense change does not adversely affect protein function. This variant has not been reported in the literature in individuals affected with KCNN2-related conditions. This variant is present in population databases (rs767264485, gnomAD 0.003%). This sequence change replaces lysine, which is basic and polar, with arginine, which is basic and polar, at codon 120 of the KCNN2 protein (p.Lys120Arg).

NM_021614.4(KCNN2):c.995A>G (p.Lys332Arg)

Gene: KCNN2 (potassium calcium-activated channel subfamily N member 2; plus strand). Cytogenetic location: 5q22.3.
Variant type: single nucleotide variant.
Coding change: c.995A>G on transcript NM_021614.4 (MANE Select); coding-DNA position 995, A replaced by G.
Protein change: p.Lys332Arg; replaces lysine 332 with arginine.
Molecular consequence: missense variant. On other transcripts: non-coding transcript variant (1).
Genome position (GRCh38, 1-based): chr5:114,363,134, A>G. VCF-style: chr5-114363134-A-G. GRCh37 (hg19) VCF-style: chr5-113698831-A-G.
Other names: c.359A>G (NM_021614.2); c.1193A>G, p.Lys398Arg (NM_001372233.1); short protein forms K332R, K398R.
Identifiers: ClinVar variation 1973617 (VCV001973617.6), dbSNP rs767264485, ClinGen allele CA3372853.